The following is an entry in ClinVar:

ClinVar aggregate classification (germline): Uncertain significance. Review status: criteria provided, multiple submitters, no conflicts (2 of 4 stars). 2 submissions from 2 submitters: Uncertain significance (2). Last evaluated 2022-07-28.

gnomAD v4.1: 1 of 1,610,548 alleles (0.000062%); highest among the groups gnomAD compares: East Asian, 0.0022%; no homozygotes.

Submissions (2):

Labcorp Genetics (formerly Invitae), Labcorp
Classification: Uncertain significance. Last evaluated: 2022-07-28. Review status: criteria provided, single submitter. Criteria: Invitae Variant Classification Sherloc (09022015). Collection method: clinical testing. Allele origin: germline.
Comment: This variant is not present in population databases (gnomAD no frequency). In summary, the available evidence is currently insufficient to determine the role of this variant in disease. Therefore, it has been classified as a Variant of Uncertain Significance. Advanced modeling of protein sequence and biophysical properties (such as structural, functional, and spatial information, amino acid conservation, physicochemical variation, residue mobility, and thermodynamic stability) performed at Invitae indicates that this missense variant is not expected to disrupt COL11A1 protein function. This variant has not been reported in the literature in individuals affected with COL11A1-related conditions. This sequence change replaces asparagine, which is neutral and polar, with aspartic acid, which is acidic and polar, at codon 864 of the COL11A1 protein (p.Asn864Asp).

Blueprint Genetics
Classification: Uncertain significance. Last evaluated: 2020-01-04. Review status: criteria provided, single submitter. Criteria: ACMG Guidelines, 2015. Collection method: clinical testing. Allele origin: germline.

NM_001854.4(COL11A1):c.2590A>G (p.Asn864Asp)

Gene: COL11A1 (collagen type XI alpha 1 chain; minus strand). Cytogenetic location: 1p21.1.
Variant type: single nucleotide variant.
Coding change: c.2590A>G on transcript NM_001854.4 (MANE Select); coding-DNA position 2590, A replaced by G.
Protein change: p.Asn864Asp; replaces asparagine 864 with aspartic acid.
Molecular consequence: missense variant. On other transcripts: non-coding transcript variant (1).
Genome position (GRCh38, 1-based): chr1:102,979,402, T>C on the plus strand (A>G on the coding strand, the complement: COL11A1 is on the minus strand). VCF-style: chr1-102979402-T-C. GRCh37 (hg19) VCF-style: chr1-103444958-T-C.
Other names: c.2242A>G, p.Asn748Asp (NM_001168249.1, NM_080630.4); c.2473A>G, p.Asn825Asp (NM_001190709.2); c.2626A>G, p.Asn876Asp (NM_080629.3); short protein forms N748D, N825D, N864D, N876D.
Identifiers: ClinVar variation 1714042 (VCV001714042.6), dbSNP rs1557897680, ClinGen allele CA341164016.